The following is an entry in ClinVar:

NM_002474.3(MYH11):c.5797G>A (p.Glu1933Lys)

Genes: MYH11 (myosin heavy chain 11; minus strand), NDE1 (nudE neurodevelopment protein 1; plus strand). Cytogenetic location: 16p13.11.
Variant type: single nucleotide variant.
Coding change: c.5797G>A on transcript NM_002474.3 (MANE Select); coding-DNA position 5797, G replaced by A.
Protein change: p.Glu1933Lys; replaces glutamic acid 1933 with lysine.
Molecular consequence: missense variant. On other transcripts: 3 prime UTR variant (2), intron variant (2).
Genome position (GRCh38, 1-based): chr16:15,704,113, C>T on the plus strand (G>A on the coding strand, the complement: MYH11 is on the minus strand). VCF-style: chr16-15704113-C-T. GRCh37 (hg19) VCF-style: chr16-15797970-C-T.
Other names: c.*19G>A (NM_001040113.2, NM_022844.3); c.5818G>A, p.Glu1940Lys (NM_001040114.2); c.947+7253C>T (NM_001143979.2, NM_017668.3); short protein forms E1933K, E1940K.
Identifiers: ClinVar variation 1315941 (VCV001315941.2), dbSNP rs768566847, ClinGen allele CA7921065.
Genomic context (GRCh38, chr16:15,704,113, plus strand): 5'-CATCTGCATTTTCAATAACTCTACGTCCTCCAGACCTTCTAGAAGGAACGAAAGAGGTCT[C>T]GTTTCCTCGCCTGTGGGTTGTAAGAAAACACATTATTTAGCAAAGAAATCTTCATGGTTG-3'
Protein context (NP_002465.1, residues 1923-1943): ALKSKLRRGN[Glu1933Lys]TSFVPSRRSG

ClinVar aggregate classification (germline): Uncertain significance (1 of 4 stars; one submission).

Allele frequency attached by ClinVar (database versions not stated): gnomAD exomes 0.00001 and 0.00003; TOPMed 0.00001; ExAC 0.00002.
gnomAD v4.1: 14 of 1,614,042 alleles (0.00087%); highest among the groups gnomAD compares: Middle Eastern, 0.017%; no homozygotes.

Submission:

GeneDx
Classification: Uncertain significance. Last evaluated: 2019-11-07. Review status: criteria provided, single submitter. Criteria: GeneDx Variant Classification Process June 2021. Collection method: clinical testing. Allele origin: germline. Affected: yes.
Comment: Has not been previously published as pathogenic or benign to our knowledge; In silico analysis, which includes protein predictors and evolutionary conservation, supports that this variant does not alter protein structure/function